The following is an entry in ClinVar:

ClinVar aggregate classification (germline): Pathogenic. Review status: criteria provided, multiple submitters, no conflicts (2 of 4 stars). 2 submissions from 2 submitters: Pathogenic (2). Last evaluated 2019-11-07.

Conditions:
Intellectual developmental disorder with dysmorphic facies, seizures, and distal limb anomalies (IDDFSDA). Identifiers: Orphanet 505237, MedGen C4479520, MONDO:0044319, OMIM 617452.

Submissions (2):

Labcorp Genetics (formerly Invitae), Labcorp
Classification: Pathogenic. Last evaluated: 2019-11-07. Review status: criteria provided, single submitter. Criteria: Invitae Variant Classification Sherloc (09022015). Collection method: clinical testing. Allele origin: germline.
Comment: For these reasons, this variant has been classified as Pathogenic. Loss-of-function variants in OTUD6B are known to be pathogenic (PMID: 28343629). This variant has not been reported in the literature in individuals with OTUD6B-related conditions. This variant is present in population databases (rs779499353, ExAC 0.006%). This sequence change creates a premature translational stop signal (p.His93Glnfs*12) in the OTUD6B gene. It is expected to result in an absent or disrupted protein product.

Neuberg Centre For Genomic Medicine, NCGM
Classification: Pathogenic for Intellectual developmental disorder with dysmorphic facies, seizures, and distal limb anomalies. Review status: criteria provided, single submitter. Criteria: ACMG Guidelines, 2015. Collection method: clinical testing. Allele origin: germline. Inheritance: Autosomal recessive inheritance. Affected: yes.
Comment: The frame shift c.189_190del (p.His63GlnfsTer12) variant in OTUD6B gene has been reported Pathogenic in ClinVAR. This variant is reported with the allele frequency 0.001% in the gnomAD and novel in 1000 genome database. This sequence change creates a premature translational stop signal (p.His93Glnfs*12) in the OTUD6B gene. This variant is predicted to cause loss of normal protein function through protein truncation. Loss-of-function variants in OTUD6B are known to be pathogenic (Santiago-Sim T et al.,2017). For these reasons, this variant has been classified as Pathogenic.

Literature cited by the submitters: PubMed 28343629 (cited by Labcorp Genetics (formerly Invitae), Labcorp).

NM_016023.5(OTUD6B):c.189_190del (p.His63fs)

Gene: OTUD6B (OTU deubiquitinase 6B; plus strand). Cytogenetic location: 8q21.3.
Variant type: Deletion.
Coding change: c.189_190del on transcript NM_016023.5 (MANE Select); coding-DNA positions 189 to 190, 2 bases deleted (TA; older notation c.189_190delTA).
Protein change: p.His63fs; shifts the reading frame from histidine 63.
Molecular consequence: frameshift variant. On other transcripts: 5 prime UTR variant (1).
Genome position (GRCh38, 1-based): chr8:91,071,244-91,071,245, TA deleted; deleting any 2 consecutive bases within chr8:91,071,243-91,071,245 gives the same sequence; the c. name uses the placement nearest the transcript's 3' end. VCF-style (leftmost placement, unchanged base first): chr8-91071242-CAT-C. GRCh37 (hg19) VCF-style: chr8-92083470-CAT-C.
Other names: c.-255_-254del (NM_001286745.3); short protein forms H63fs.
Identifiers: ClinVar variation 967815 (VCV000967815.7), dbSNP rs779499353, ClinGen allele CA4804696.